The following is an entry in ClinVar:

ClinVar aggregate classification (germline): Conflicting classifications of pathogenicity. Review status: criteria provided, conflicting classifications (1 of 4 stars). 17 submissions from 16 submitters: Uncertain significance (1); Benign (5); Likely benign (9). 2 of the submissions do not count toward it. Last evaluated 2026-02-03.

Conditions:
Breast and/or ovarian cancer. Identifiers: MedGen CN221562.
Familial cancer of breast. Also called: Hereditary breast cancer; hereditary breast carcinoma; BREAST CANCER, FAMILIAL. Identifiers: Orphanet 227535, MedGen C0346153, MONDO:0016419, OMIM 114480. Disease mechanism: loss of function.
Fanconi anemia complementation group J. Also called: BRIP1-Related Fanconi Anemia. Identifiers: Orphanet 84, MedGen C1836860, MONDO:0012187, OMIM 609054.
Hereditary cancer-predisposing syndrome. Also called: Tumor predisposition; Hereditary neoplastic syndrome; Hereditary Cancer Syndrome; Neoplastic Syndromes, Hereditary. Identifiers: Orphanet 140162, MedGen C0027672, MeSH D009386, MONDO:0015356.
Ovarian cancer. Also called: OVARIAN CANCER, SOMATIC. Identifiers: Orphanet 213500, MedGen C1140680, MONDO:0008170, OMIM 167000.

Allele frequency attached by ClinVar (database versions not stated): gnomAD 0.00018 and 0.00019; TOPMed 0.00018; ESP Exome Variant Server 0.00031.
gnomAD v4.1: 420 of 1,613,026 alleles (0.026%); highest among the groups gnomAD compares: Non-Finnish European, 0.033%; no homozygotes.

Submissions (17):

Labcorp Genetics (formerly Invitae), Labcorp
Classification: Benign for Familial cancer of breast; Fanconi anemia complementation group J. Last evaluated: 2026-02-03. Review status: criteria provided, single submitter. Criteria: Invitae Variant Classification Sherloc (09022015). Collection method: clinical testing. Allele origin: germline.

Mayo Clinic Laboratories, Mayo Clinic
Classification: Likely benign. Last evaluated: 2025-11-28. Review status: criteria provided, single submitter. Criteria: ACMG Guidelines, 2015. Collection method: clinical testing. Allele origin: germline. Observed: 1 variant allele.
Comment: BP4, BP7

CeGaT Center for Human Genetics Tuebingen
Classification: Likely benign. Last evaluated: 2025-11-01. Review status: criteria provided, single submitter. Criteria: CeGaT Center For Human Genetics Tuebingen Variant Classification Criteria Version 2. Collection method: clinical testing. Allele origin: germline. Affected: yes. Observed: 8 variant alleles.
Comment: BRIP1: BP4, BP7

Center for Genomic Medicine, Rigshospitalet, Copenhagen University Hospital
Classification: Likely benign. Last evaluated: 2025-03-04. Review status: criteria provided, single submitter. Criteria: ACMG Guidelines, 2015. Collection method: clinical testing. Allele origin: germline.

Blueprint Genetics
Classification: Likely benign. Last evaluated: 2024-11-01. Review status: criteria provided, single submitter. Criteria: ACMG Guidelines, 2015. Collection method: clinical testing. Allele origin: germline.

Department of Pathology and Laboratory Medicine, Sinai Health System
Classification: Likely benign for Familial cancer of breast. Last evaluated: 2024-07-29. Review status: criteria provided, single submitter. Criteria: ACMG Guidelines, 2015. Collection method: clinical testing. Allele origin: germline. Affected: yes.

Myriad Genetics, Inc.
Classification: Benign for Familial cancer of breast. Last evaluated: 2023-03-01. Review status: criteria provided, single submitter. Criteria: Myriad Autosomal Dominant, Autosomal Recessive and X-Linked Classification Criteria (2023). Collection method: clinical testing. Allele origin: unknown.
Comment: This variant is considered benign. This variant is a silent/synonymous amino acid change and it is not expected to impact splicing.

Sema4
Classification: Likely benign for Hereditary cancer-predisposing syndrome. Last evaluated: 2021-02-05. Review status: criteria provided, single submitter. Criteria: Sema4 Curation Guidelines. Collection method: curation. Allele origin: germline.

CHEO Genetics Diagnostic Laboratory, Children's Hospital of Eastern Ontario
Classification: Likely benign for Breast and/or ovarian cancer. Last evaluated: 2020-11-03. Review status: criteria provided, single submitter. Criteria: ACMG Guidelines, 2015. Collection method: clinical testing. Allele origin: germline.

Quest Diagnostics Nichols Institute San Juan Capistrano
Classification: Benign. Last evaluated: 2020-08-09. Review status: criteria provided, single submitter. Criteria: Quest Diagnostics criteria. Collection method: clinical testing. Allele origin: unknown.

Illumina Laboratory Services, Illumina
Classification: Uncertain significance for Fanconi anemia complementation group J. Last evaluated: 2018-01-13. Review status: criteria provided, single submitter. Criteria: ICSL Variant Classification Criteria 13 December 2019. Collection method: clinical testing. Allele origin: germline.

Women's Health and Genetics/Laboratory Corporation of America, LabCorp
Classification: Benign. Last evaluated: 2017-03-16. Review status: criteria provided, single submitter. Criteria: LabCorp Variant Classification Summary - May 2015. Collection method: clinical testing. Allele origin: germline.
Comment: Variant summary: The BRIP1 c.36G>T (p.Gly12Gly) variant involves the alteration of a non-conserved nucleotide, resulting in a synonymous change. The variant lies within a P-loop domain, a helicase domain, a helicase-like DEXD box domain, and a helicase superfamily ATP-binding domain of the protein (InterPro), though none of these domains are listed in the NCBI Conserved Domain database at the variant location. One in silico tool predicts a damaging outcome for this variant. 5/5 splice prediction tools predict no significant impact on normal splicing. ESE finder predicts that this variant does not signifcantly affect ESE sites at the locus. However, these predictions have yet to be confirmed by functional studies. This variant was found in the large control database ExAC in 31/121030 control chromosomes, exclusively observed in the European (Non-Finnish) subpopulation at a frequency of 0.000466 (31/66568). This frequency is about 7 times the estimated maximal expected allele frequency of a pathogenic BRIP1 variant (0.0000625), suggesting this is likely a benign polymorphism found primarily in populations of European (Non-Finnish) origin. Multiple clinical diagnostic laboratories/reputable databases have conflicting classifications for this variant, most of which are benign or likely benign (benign [2x], likely benign [3x], and uncertain significance [2x]). To our knowledge, the variant of interest has not been reported in affected individuals via publications, nor has it been evaluated for functional impact by in vivo/vitro studies. Taken together, this variant is classified as benign.

Color Diagnostics, LLC DBA Color Health
Classification: Likely benign for Hereditary cancer-predisposing syndrome. Last evaluated: 2015-08-04. Review status: criteria provided, single submitter. Criteria: ACMG Guidelines, 2015. Collection method: clinical testing. Allele origin: germline.

Ambry Genetics
Classification: Likely benign for Hereditary cancer-predisposing syndrome. Last evaluated: 2014-07-03. Review status: criteria provided, single submitter. Criteria: Ambry Variant Classification Scheme 2023. Collection method: clinical testing. Allele origin: germline.

GeneDx
Classification: Benign. Last evaluated: 2014-04-08. Review status: criteria provided, single submitter. Criteria: GeneDx Variant Classification (06012015). Collection method: clinical testing. Allele origin: germline. Affected: yes.
Comment: This variant is considered likely benign or benign based on one or more of the following criteria: it is a conservative change, it occurs at a poorly conserved position in the protein, it is predicted to be benign by multiple in silico algorithms, and/or has population frequency not consistent with disease.

Counsyl
Classification: Likely benign for Fanconi anemia complementation group J. Last evaluated: 2016-10-26. Review status: no assertion criteria provided. Collection method: clinical testing. Allele origin: unknown. Not counted in ClinVar's aggregate classification.

Counsyl
Classification: Likely benign for Ovarian cancer. Last evaluated: 2016-10-26. Review status: no assertion criteria provided. Collection method: clinical testing. Allele origin: unknown. Not counted in ClinVar's aggregate classification.

NM_032043.3(BRIP1):c.36G>T (p.Gly12=)

Gene: BRIP1 (BRCA1 interacting DNA helicase 1; minus strand). Cytogenetic location: 17q23.2.
Variant type: single nucleotide variant.
Coding change: c.36G>T on transcript NM_032043.3 (MANE Select); coding-DNA position 36, G replaced by T.
Protein change: p.Gly12=; no amino-acid change (glycine 12 retained).
Molecular consequence: synonymous variant.
Genome position (GRCh38, 1-based): chr17:61,861,504, C>A on the plus strand (G>T on the coding strand, the complement: BRIP1 is on the minus strand). VCF-style: chr17-61861504-C-A. GRCh37 (hg19) VCF-style: chr17-59938865-C-A.
Other names: p.G12G:GGG>GGT; p.Gly12=.
Identifiers: ClinVar variation 136582 (VCV000136582.78), dbSNP rs45566938, ClinGen allele CA289749.
Genomic context (GRCh38, chr17:61,861,504, plus strand): 5'-TACAGAATTCATCATAGCAAGCTGTGACGGGTAAGCTTTATAAGGAAAGTAAATCTTCAC[C>A]CCACCAATTGTATATTCAGACCACATTGAAGACATAGTGCTTTCCTGTTTATTTCAGATT-3'
Protein context (NP_114432.2, residues 2-22): SSMWSEYTIG[Gly12=]VKIYFPYKAY